The following is an entry in ClinVar:

NM_001111.5(ADAR):c.1944C>A (p.Tyr648Ter)

Gene: ADAR (adenosine deaminase RNA specific; minus strand). Cytogenetic location: 1q21.3.
Variant type: single nucleotide variant.
Coding change: c.1944C>A on transcript NM_001111.5 (MANE Select); coding-DNA position 1944, C replaced by A.
Protein change: p.Tyr648Ter; replaces tyrosine 648 with a stop codon.
Molecular consequence: nonsense.
Genome position (GRCh38, 1-based): chr1:154,597,258, G>T on the plus strand (C>A on the coding strand, the complement: ADAR is on the minus strand). VCF-style: chr1-154597258-G-T. GRCh37 (hg19) VCF-style: chr1-154569734-G-T.
Other names: p.(Tyr648Ter); c.1059C>A, p.Tyr353Ter (NM_001025107.3, NM_001193495.2, NM_001365046.1 and 3 more transcripts); c.1971C>A, p.Tyr657Ter (NM_001365045.1); c.1944C>A, p.Tyr648Ter (NM_015840.4, NM_015841.4); short protein forms Y353*, Y648*, Y657*.
Identifiers: ClinVar variation 4976823 (VCV004976823.1).
Genomic context (GRCh38, chr1:154,597,258, plus strand): 5'-TGCCACTTTCTTGCTGGGAGCACTCACACTGGGGAAAGTTTGGGCTCCCACTGCAACACA[G>T]TATTGGAACCTGACAGGAGATGAAGCACGTAGAAGGATTAAAATGGTTTTGACTGAGGAG-3'

ClinVar aggregate classification (germline): Likely pathogenic (1 of 4 stars; one submission).

Conditions:
Symmetrical dyschromatosis of extremities (DSH). Also called: DYSCHROMATOSIS SYMMETRICA HEREDITARIA 1; RETICULATE ACROPIGMENTATION OF DOHI; SYMMETRIC DYSCHROMATOSIS OF THE EXTREMITIES; Dyschromatosis symmetrica hereditaria. Identifiers: Orphanet 41, MedGen C0406775, MONDO:0007483, OMIM 127400.

Submission:

Medcare Vitiligo Treatment and Research Unit, Medcare Dermatology Clinic
Classification: Likely pathogenic for Symmetrical dyschromatosis of extremities. Review status: criteria provided, single submitter. Criteria: ACMG Guidelines, 2015. Collection method: research. Allele origin: germline. Inheritance: Autosomal dominant inheritance. Affected: yes. Observed: 2 variant alleles, 2 heterozygotes. Clinical features observed: Mixed hypo- and hyperpigmentation of the skin (HP:0009123).
Comment: Classified as likely pathogenic based on ACMG/AMP criteria PVS1 (Very Strong) and PM2. The variant is a nonsense change predicted to undergo nonsense-mediated decay. Loss of function/haploinsufficiency is an established disease mechanism for ADAR-associated dyschromatosis symmetrica hereditaria.

Literature cited by the submitters: PubMed 30192042; PubMed 16536805.